The following is an entry in ClinVar:

ClinVar aggregate classification (germline): Uncertain significance (1 of 4 stars; one submission).

Allele frequency attached by ClinVar (database versions not stated): ExAC 0.00001.

Submission:

Labcorp Genetics (formerly Invitae), Labcorp
Classification: Uncertain significance. Last evaluated: 2026-01-25. Review status: criteria provided, single submitter. Criteria: Invitae Variant Classification Sherloc (09022015). Collection method: clinical testing. Allele origin: germline.
Comment: This sequence change replaces proline, which is neutral and non-polar, with serine, which is neutral and polar, at codon 1857 of the CACNA1D protein (p.Pro1857Ser). This variant is present in population databases (rs770983383, gnomAD 0.0009%). This variant has not been reported in the literature in individuals affected with CACNA1D-related conditions. ClinVar contains an entry for this variant (Variation ID: 2996945). An algorithm developed to predict the effect of missense changes on protein structure and function outputs the following: PolyPhen-2: "Benign". The serine amino acid residue is found in multiple mammalian species, which suggests that this missense change does not adversely affect protein function. In summary, the available evidence is currently insufficient to determine the role of this variant in disease. Therefore, it has been classified as a Variant of Uncertain Significance.

NM_001128840.3(CACNA1D):c.5509C>T (p.Pro1837Ser)

Gene: CACNA1D (calcium voltage-gated channel subunit alpha1 D; plus strand). Cytogenetic location: 3p21.1.
Variant type: single nucleotide variant.
Coding change: c.5509C>T on transcript NM_001128840.3 (MANE Select); coding-DNA position 5509, C replaced by T.
Protein change: p.Pro1837Ser; replaces proline 1837 with serine.
Molecular consequence: missense variant.
Genome position (GRCh38, 1-based): chr3:53,803,496, C>T. VCF-style: chr3-53803496-C-T. GRCh37 (hg19) VCF-style: chr3-53837523-C-T.
Other names: c.5569C>T, p.Pro1857Ser (NM_000720.4); c.5437C>T, p.Pro1813Ser (NM_001128839.3); short protein forms P1813S, P1837S, P1857S.
Identifiers: ClinVar variation 2996945 (VCV002996945.3), dbSNP rs770983383, ClinGen allele CA2455164.